The following is an entry in ClinVar:

NM_001127208.3(TET2):c.1652A>C (p.Asp551Ala)

Genes: TET2 (tet methylcytosine dioxygenase 2; plus strand), TET2-AS1 (TET2 antisense RNA 1; minus strand). Cytogenetic location: 4q24.
Variant type: single nucleotide variant.
Coding change: c.1652A>C on transcript NM_001127208.3 (MANE Select); coding-DNA position 1652, A replaced by C.
Protein change: p.Asp551Ala; replaces aspartic acid 551 with alanine.
Molecular consequence: missense variant.
Genome position (GRCh38, 1-based): chr4:105,235,594, A>C. VCF-style: chr4-105235594-A-C. GRCh37 (hg19) VCF-style: chr4-106156751-A-C.
Other names: c.1652A>C, p.Asp551Ala (NM_017628.4); short protein forms D551A.
Identifiers: ClinVar variation 2734664 (VCV002734664.2), dbSNP rs773040955, ClinGen allele CA3031730.

ClinVar aggregate classification (germline): Uncertain significance (1 of 4 stars; one submission).

Allele frequency attached by ClinVar (database versions not stated): ExAC 0.00001; TOPMed 0.00008.

Submission:

Labcorp Genetics (formerly Invitae), Labcorp
Classification: Uncertain significance. Last evaluated: 2023-12-26. Review status: criteria provided, single submitter. Criteria: Invitae Variant Classification Sherloc (09022015). Collection method: clinical testing. Allele origin: germline.
Comment: This sequence change replaces aspartic acid, which is acidic and polar, with alanine, which is neutral and non-polar, at codon 551 of the TET2 protein (p.Asp551Ala). This variant is present in population databases (rs773040955, gnomAD 0.008%). This variant has not been reported in the literature in individuals affected with TET2-related conditions. An algorithm developed to predict the effect of missense changes on protein structure and function (PolyPhen-2) suggests that this variant¬¨‚Ä†is likely to be tolerated. In summary, the available evidence is currently insufficient to determine the role of this variant in disease. Therefore, it has been classified as a Variant of Uncertain Significance.